The following is an entry in ClinVar:

NM_002863.5(PYGL):c.72C>A (p.Asn24Lys)

Gene: PYGL (glycogen phosphorylase L; minus strand). Cytogenetic location: 14q22.1.
Variant type: single nucleotide variant.
Coding change: c.72C>A on transcript NM_002863.5 (MANE Select); coding-DNA position 72, C replaced by A.
Protein change: p.Asn24Lys; replaces asparagine 24 with lysine.
Molecular consequence: missense variant.
Genome position (GRCh38, 1-based): chr14:50,944,332, G>T on the plus strand (C>A on the coding strand, the complement: PYGL is on the minus strand). VCF-style: chr14-50944332-G-T. GRCh37 (hg19) VCF-style: chr14-51411050-G-T.
Other names: c.72C>A, p.Asn24Lys (NM_001163940.2); short protein forms N24K.
Identifiers: ClinVar variation 998111 (VCV000998111.1), dbSNP rs1375868904, ClinGen allele CA389699663.

ClinVar aggregate classification (germline): Pathogenic (1 of 4 stars; one submission).

Conditions:
Glycogen storage disease, type VI (GSD6). Also called: Glycogen storage disease type 6; Hepatic glycogen phosphorylase deficiency; HERS DISEASE; PHOSPHORYLASE DEFICIENCY GLYCOGEN-STORAGE DISEASE OF LIVER; Glycogen storage disease type 6, due to phosphorylation; GSD VI. Identifiers: Orphanet 369, MedGen C0017925, MONDO:0009294, OMIM 232700.

Submission:

Centre for Human Genetics
Classification: Pathogenic for Glycogen storage disease, type VI. Last evaluated: 2020-08-27. Review status: criteria provided, single submitter. Criteria: ACMG Guidelines, 2015. Collection method: clinical testing. Allele origin: inherited. Inheritance: Autosomal recessive inheritance. Affected: yes. Observed: 1 variant allele.
Comment: disease causing